The following is an entry in ClinVar:

NM_005751.5(AKAP9):c.4031_4034del (p.Glu1344fs)

Gene: AKAP9 (A-kinase anchoring protein 9; plus strand). Cytogenetic location: 7q21.2.
Variant type: Deletion.
Coding change: c.4031_4034del on transcript NM_005751.5 (MANE Select); coding-DNA positions 4031 to 4034, 4 bases deleted (AAAG; older notation c.4031_4034delAAAG).
Protein change: p.Glu1344fs; shifts the reading frame from glutamic acid 1344.
Molecular consequence: frameshift variant.
Genome position (GRCh38, 1-based): chr7:92,022,892-92,022,895, AAAG deleted; deleting any 4 consecutive bases within chr7:92,022,890-92,022,895 gives the same sequence; the c. name uses the placement nearest the transcript's 3' end. VCF-style (leftmost placement, unchanged base first): chr7-92022889-TAGAA-T. GRCh37 (hg19) VCF-style: chr7-91652203-TAGAA-T.
Other names: c.4031_4034del, p.Glu1344fs (NM_147185.3); short protein forms E1344fs.
Identifiers: ClinVar variation 2626283 (VCV002626283.2), dbSNP rs2484750436, ClinGen allele CA2582341730.

ClinVar aggregate classification (germline): Uncertain significance (1 of 4 stars; one submission).

Conditions:
Cardiovascular phenotype. Identifiers: MedGen CN230736.

Submission:

Ambry Genetics
Classification: Uncertain significance for Cardiovascular phenotype. Last evaluated: 2023-07-05. Review status: criteria provided, single submitter. Criteria: Ambry Variant Classification Scheme 2023. Collection method: clinical testing. Allele origin: germline.
Comment: The c.4031_4034delAAAG variant, located in coding exon 14 of the AKAP9 gene, results from a deletion of 4 nucleotides at nucleotide positions 4031 to 4034, causing a translational frameshift with a predicted alternate stop codon (p.E1344Afs*10). This alteration is expected to result in protein truncation or nonsense-mediated mRNA decay. However, the evidence for this gene-disease relationship is limited; therefore, the clinical significance of this alteration is unclear.